The following is an entry in ClinVar:

ClinVar aggregate classification (germline): Uncertain significance (1 of 4 stars; one submission).

gnomAD v4.1: 1 of 1,614,164 alleles (0.000062%); highest among the groups gnomAD compares: Non-Finnish European, 0.000085%; no homozygotes.

Submission:

Labcorp Genetics (formerly Invitae), Labcorp
Classification: Uncertain significance. Last evaluated: 2024-12-24. Review status: criteria provided, single submitter. Criteria: Invitae Variant Classification Sherloc (09022015). Collection method: clinical testing. Allele origin: germline.
Comment: This sequence change replaces serine, which is neutral and polar, with phenylalanine, which is neutral and non-polar, at codon 109 of the EMC1 protein (p.Ser109Phe). This variant is not present in population databases (gnomAD no frequency). This variant has not been reported in the literature in individuals affected with EMC1-related conditions. Invitae Evidence Modeling of protein sequence and biophysical properties (such as structural, functional, and spatial information, amino acid conservation, physicochemical variation, residue mobility, and thermodynamic stability) indicates that this missense variant is expected to disrupt EMC1 protein function with a positive predictive value of 80%. In summary, the available evidence is currently insufficient to determine the role of this variant in disease. Therefore, it has been classified as a Variant of Uncertain Significance.

NM_015047.3(EMC1):c.326C>T (p.Ser109Phe)

Gene: EMC1 (ER membrane protein complex subunit 1; minus strand). Cytogenetic location: 1p36.13.
Variant type: single nucleotide variant.
Coding change: c.326C>T on transcript NM_015047.3 (MANE Select); coding-DNA position 326, C replaced by T.
Protein change: p.Ser109Phe; replaces serine 109 with phenylalanine.
Molecular consequence: missense variant.
Genome position (GRCh38, 1-based): chr1:19,243,668, G>A on the plus strand (C>T on the coding strand, the complement: EMC1 is on the minus strand). VCF-style: chr1-19243668-G-A. GRCh37 (hg19) VCF-style: chr1-19570162-G-A.
Other names: c.326C>T, p.Ser109Phe (NM_001271427.2, NM_001271428.2, NM_001375820.1 and 1 more transcripts); c.260C>T, p.Ser87Phe (NM_001271429.2); short protein forms S87F, S109F.
Identifiers: ClinVar variation 3664425 (VCV003664425.2).